The following is an entry in ClinVar:

NM_000458.4(HNF1B):c.*100=

Gene: HNF1B (HNF1 homeobox B; minus strand). Cytogenetic location: 17q12.
Variant type: single nucleotide variant.
Coding change: c.*100= on transcript NM_000458.4 (MANE Select); 100 bases downstream of the stop codon, no change from the reference sequence.
Molecular consequence: no sequence alteration.
Genome position: GRCh38 VCF-style: chr17-37687272-T-T. GRCh37 (hg19) VCF-style: chr17-36047275-C-T.
Other names: c.*100= (NM_001165923.4); c.*8= (NM_001304286.2).
Identifiers: ClinVar variation 322940 (VCV000322940.12), dbSNP rs1555818000.
Genomic context (GRCh38, chr17:37,687,272, plus strand): 5'-TGGATTGTCTGAGGTGCCAGCAGGACGTCCGTCAGGTAAGCAGGGACCTCTCGCAGGTGC[T=]GGTCAGGTCACTGGGCTTTTCCATGACAGCTGCCCAGAGGGTGATGGTGTGGAAAACAGG-3'

ClinVar aggregate classification (germline): Benign. Review status: criteria provided, multiple submitters, no conflicts (2 of 4 stars). 6 submissions from 6 submitters: Benign (4). 2 of the submissions do not count toward it. Last evaluated 2024-11-28.

Conditions:
Renal cysts and diabetes syndrome (RCAD). Also called: Familial hypoplastic, glomerulocystic kidney; MATURITY-ONSET DIABETES OF THE YOUNG, TYPE 5. Identifiers: Orphanet 93111, MedGen C0431693, MONDO:0007669, OMIM 137920.

Allele frequency attached by ClinVar (database versions not stated): 1000 Genomes Project 30x 0.77639; TOPMed 0.79987; gnomAD 0.80645 and 0.80886; gnomAD exomes 0.87461.

Submissions (6):

Blueprint Genetics
Classification: Benign. Last evaluated: 2024-11-28. Review status: criteria provided, single submitter. Criteria: ACMG Guidelines, 2015. Collection method: clinical testing. Allele origin: germline.

GeneDx
Classification: Benign. Last evaluated: 2018-06-26. Review status: criteria provided, single submitter. Criteria: GeneDx Variant Classification Process June 2021. Collection method: clinical testing. Allele origin: germline. Affected: yes.

Illumina Laboratory Services, Illumina
Classification: Benign for Renal cysts and diabetes syndrome. Last evaluated: 2018-01-13. Review status: criteria provided, single submitter. Criteria: ICSL Variant Classification Criteria 13 December 2019. Collection method: clinical testing. Allele origin: germline.
Comment: This variant was observed in the ICSL laboratory as part of a predisposition screen in an ostensibly healthy population. It had not been previously curated by ICSL or reported in the Human Gene Mutation Database (HGMD: prior to June 1st, 2018), and was therefore a candidate for classification through an automated scoring system. Utilizing variant allele frequency, disease prevalence and penetrance estimates, and inheritance mode, an automated score was calculated to assess if this variant is too frequent to cause the disease. Based on the score and internal cut-off values, a variant classified as benign is not then subjected to further curation. The score for this variant resulted in a classification of benign for this disease.

Breakthrough Genomics
Classification: Benign. Review status: criteria provided, single submitter. Criteria: ACMG Guidelines, 2015. Collection method: not provided. Allele origin: germline. Inheritance: Autosomal dominant inheritance. Affected: yes.

Diagnostic Laboratory, Department of Genetics, University Medical Center Groningen
Classification: Benign. Review status: no assertion criteria provided. Collection method: clinical testing. Allele origin: germline. Affected: yes. Study: VKGL Data-share Consensus. Not counted in ClinVar's aggregate classification.

Genome Diagnostics Laboratory, University Medical Center Utrecht
Classification: Benign. Review status: no assertion criteria provided. Collection method: clinical testing. Allele origin: germline. Affected: yes. Study: VKGL Data-share Consensus. Not counted in ClinVar's aggregate classification.